The following is an entry in ClinVar:

NM_001199753.2(CPT1C):c.1631A>G (p.His544Arg)

Gene: CPT1C (carnitine palmitoyltransferase 1C; plus strand). Cytogenetic location: 19q13.33.
Variant type: single nucleotide variant.
Coding change: c.1631A>G on transcript NM_001199753.2 (MANE Select); coding-DNA position 1631, A replaced by G.
Protein change: p.His544Arg; replaces histidine 544 with arginine.
Molecular consequence: missense variant. On other transcripts: non-coding transcript variant (1).
Genome position (GRCh38, 1-based): chr19:49,710,384, A>G. VCF-style: chr19-49710384-A-G. GRCh37 (hg19) VCF-style: chr19-50213641-A-G.
Other names: c.1598A>G, p.His533Arg (NM_001136052.3, NM_001378485.1, NM_001378487.1); c.1631A>G, p.His544Arg (NM_001199752.3, NM_001378483.1, NM_001378484.1 and 3 more transcripts); c.1697A>G, p.His566Arg (NM_001378482.1); short protein forms H533R, H544R, H566R.
Identifiers: ClinVar variation 2630562 (VCV002630562.1), dbSNP rs758918714, ClinGen allele CA309517383.

ClinVar aggregate classification (germline): Uncertain significance (1 of 4 stars; one submission).

Conditions:
CPT1C-related disorder. Also called: CPT1C-related condition.

Allele frequency attached by ClinVar (database versions not stated): gnomAD exomes below 0.00001; gnomAD 0.00001.
gnomAD v4.1: 4 of 1,613,984 alleles (0.00025%); highest among the groups gnomAD compares: South Asian, 0.0022%; no homozygotes.

Submission:

PreventionGenetics, part of Exact Sciences
Classification: Uncertain significance for CPT1C-related condition. Last evaluated: 2023-02-03. Review status: criteria provided, single submitter. Criteria: ACMG Guidelines, 2015. Collection method: clinical testing. Allele origin: germline.
Comment: The CPT1C c.1598A>G variant is predicted to result in the amino acid substitution p.His533Arg. To our knowledge, this variant has not been reported in the literature. This variant is reported in 0.0033% of alleles in individuals of South Asian descent in gnomAD. At this time, the clinical significance of this variant is uncertain due to the absence of conclusive functional and genetic evidence.